The following is an entry in ClinVar:

NM_003072.5(SMARCA4):c.1164del (p.Ser391fs)

Gene: SMARCA4 (SWI/SNF related BAF chromatin remodeling complex subunit ATPase 4; plus strand). Cytogenetic location: 19p13.2.
Variant type: Deletion.
Coding change: c.1164del on transcript NM_003072.5 (MANE Select); coding-DNA position 1164, one base deleted (T; older notation c.1164delT).
Protein change: p.Ser391fs; shifts the reading frame from serine 391.
Molecular consequence: frameshift variant. On other transcripts: non-coding transcript variant (1).
Genome position (GRCh38, 1-based): chr19:10,989,362, T deleted; the last of 2 consecutive T bases (chr19:10,989,361-10,989,362); deleting either gives the same sequence. VCF-style (leftmost placement, unchanged base first): chr19-10989360-CT-C. GRCh37 (hg19) VCF-style: chr19-11100036-CT-C.
Other names: c.1164del, p.Ser391fs (NM_001128844.3, NM_001128845.2, NM_001128846.2 and 6 more transcripts); short protein forms S391fs.
Identifiers: ClinVar variation 4721833 (VCV004721833.1).

ClinVar aggregate classification (germline): Pathogenic (1 of 4 stars; one submission).

Conditions:
Rhabdoid tumor predisposition syndrome 2 (RTPS2). Identifiers: Orphanet 231108, Orphanet 69077, MedGen C2750074, MONDO:0013224, OMIM 613325.

Submission:

Labcorp Genetics (formerly Invitae), Labcorp
Classification: Pathogenic for Rhabdoid tumor predisposition syndrome 2. Last evaluated: 2025-06-22. Review status: criteria provided, single submitter. Criteria: Invitae Variant Classification Sherloc (09022015). Collection method: clinical testing. Allele origin: germline.
Comment: This sequence change creates a premature translational stop signal (p.Ser391Profs*20) in the SMARCA4 gene. It is expected to result in an absent or disrupted protein product. Loss-of-function variants in SMARCA4 are known to be pathogenic (PMID: 24658001, 24658002). This variant is not present in population databases (gnomAD no frequency). This variant has not been reported in the literature in individuals affected with SMARCA4-related conditions. For these reasons, this variant has been classified as Pathogenic.

Literature cited by the submitters: PubMed 24658001; PubMed 24658002.